The following is an entry in ClinVar:

ClinVar aggregate classification (germline): Benign/Likely benign. Review status: criteria provided, multiple submitters, no conflicts (2 of 4 stars). 2 submissions from 2 submitters: Benign (1); Likely benign (1). Last evaluated 2025-11-22.

Conditions:
Tuberous sclerosis 1 (TSC1). Identifiers: Orphanet 805, MedGen C1854465, MONDO:0008612, OMIM 191100.
Hereditary cancer-predisposing syndrome. Also called: Neoplastic Syndromes, Hereditary; Hereditary neoplastic syndrome; Hereditary Cancer Syndrome; Tumor predisposition. Identifiers: Orphanet 140162, MedGen C0027672, MeSH D009386, MONDO:0015356.

Submissions (2):

Ambry Genetics
Classification: Likely benign for Hereditary cancer-predisposing syndrome. Last evaluated: 2025-11-22. Review status: criteria provided, single submitter. Criteria: Ambry Variant Classification Scheme 2023. Collection method: clinical testing. Allele origin: germline.

Myriad Genetics, Inc.
Classification: Benign for Tuberous sclerosis 1. Last evaluated: 2025-04-25. Review status: criteria provided, single submitter. Criteria: Myriad Autosomal Dominant, Autosomal Recessive and X-Linked Classification Criteria (2023). Collection method: clinical testing. Allele origin: unknown.
Comment: This variant is considered benign. This variant is a silent/synonymous amino acid change and it is not expected to impact splicing.

NM_000368.5(TSC1):c.2475G>A (p.Glu825=)

Gene: TSC1 (TSC complex subunit 1; minus strand). Cytogenetic location: 9q34.13.
Variant type: single nucleotide variant.
Coding change: c.2475G>A on transcript NM_000368.5 (MANE Select); coding-DNA position 2475, G replaced by A.
Protein change: p.Glu825=; no amino-acid change (glutamic acid 825 retained).
Molecular consequence: synonymous variant. On other transcripts: non-coding transcript variant (5), intron variant (8).
Genome position (GRCh38, 1-based): chr9:132,901,616, C>T on the plus strand (G>A on the coding strand, the complement: TSC1 is on the minus strand). VCF-style: chr9-132901616-C-T. GRCh37 (hg19) VCF-style: chr9-135777003-C-T.
Other names: c.2472G>A, p.Glu824= (NM_001162426.2, NM_001406597.1, NM_001406598.1 and 2 more transcripts); c.2322G>A, p.Glu774= (NM_001162427.2, NM_001406610.1); c.2112G>A, p.Glu704= (NM_001362177.2, NM_001406614.1, NM_001406615.1 and 4 more transcripts); c.2475G>A, p.Glu825= (NM_001406592.1, NM_001406593.1, NM_001406594.1 and 2 more transcripts); c.1521G>A, p.Glu507= (NM_001406627.1, NM_001406628.1); c.1422G>A, p.Glu474= (NM_001406629.1, NM_001406630.1); c.2094+15G>A (NM_001406625.1); c.2304+15G>A (NM_001406613.1); and 8 more.
Identifiers: ClinVar variation 4071285 (VCV004071285.2).